The following is an entry in ClinVar:

ClinVar aggregate classification (germline): Uncertain significance (1 of 4 stars; one submission).

Submission:

Labcorp Genetics (formerly Invitae), Labcorp
Classification: Uncertain significance. Last evaluated: 2021-12-02. Review status: criteria provided, single submitter. Criteria: Invitae Variant Classification Sherloc (09022015). Collection method: clinical testing. Allele origin: germline.
Comment: In summary, the available evidence is currently insufficient to determine the role of this variant in disease. Therefore, it has been classified as a Variant of Uncertain Significance. Algorithms developed to predict the effect of missense changes on protein structure and function output the following: SIFT: "Deleterious"; PolyPhen-2: "Benign"; Align-GVGD: "Class C45". The asparagine amino acid residue is found in multiple mammalian species, which suggests that this missense change does not adversely affect protein function. This variant has not been reported in the literature in individuals affected with LAMB1-related conditions. This variant is not present in population databases (gnomAD no frequency). This sequence change replaces serine, which is neutral and polar, with asparagine, which is neutral and polar, at codon 1649 of the LAMB1 protein (p.Ser1649Asn).

NM_002291.3(LAMB1):c.4946G>A (p.Ser1649Asn)

Gene: LAMB1 (laminin subunit beta 1; minus strand). Cytogenetic location: 7q31.1.
Variant type: single nucleotide variant.
Coding change: c.4946G>A on transcript NM_002291.3 (MANE Select); coding-DNA position 4946, G replaced by A.
Protein change: p.Ser1649Asn; replaces serine 1649 with asparagine.
Molecular consequence: missense variant.
Genome position (GRCh38, 1-based): chr7:107,926,301, C>T on the plus strand (G>A on the coding strand, the complement: LAMB1 is on the minus strand). VCF-style: chr7-107926301-C-T. GRCh37 (hg19) VCF-style: chr7-107566746-C-T.
Other names: short protein forms S1649N.
Identifiers: ClinVar variation 1484370 (VCV001484370.6), dbSNP rs1405847840, ClinGen allele CA368861044.